The following is an entry in ClinVar:

NM_014423.4(AFF4):c.2397-19C>T

Gene: AFF4 (ALF transcription elongation factor 4; minus strand). Cytogenetic location: 5q31.1.
Variant type: single nucleotide variant.
Coding change: c.2397-19C>T on transcript NM_014423.4 (MANE Select); 19 bases into the intron before coding-DNA position 2397, C replaced by T.
Molecular consequence: intron variant.
Genome position (GRCh38, 1-based): chr5:132,892,423, G>A on the plus strand (C>T on the coding strand, the complement: AFF4 is on the minus strand). VCF-style: chr5-132892423-G-A. GRCh37 (hg19) VCF-style: chr5-132228115-G-A.
Identifiers: ClinVar variation 2781962 (VCV002781962.3), dbSNP rs1760286831, ClinGen allele CA1081673030.

ClinVar aggregate classification (germline): Uncertain significance (1 of 4 stars; one submission).

Conditions:
Cognitive impairment - coarse facies - heart defects - obesity - pulmonary involvement - short stature - skeletal dysplasia syndrome. Also called: Chops syndrome; AFF4-Related CHOPS Syndrome; COGNITIVE IMPAIRMENT, COARSE FACIES, HEART DEFECTS, OBESITY, PULMONARY INVOLVEMENT, SHORT STATURE, AND SKELETAL DYSPLASIA. Identifiers: Orphanet 444077, MedGen C4085597, MONDO:0014609, OMIM 616368.

Allele frequency attached by ClinVar (database versions not stated): gnomAD exomes below 0.00001; gnomAD 0.00001.
gnomAD v4.1: 4 of 1,601,976 alleles (0.00025%); highest among the groups gnomAD compares: African/African-American, 0.0027%; no homozygotes.

Submission:

Labcorp Genetics (formerly Invitae), Labcorp
Classification: Uncertain significance for Cognitive impairment - coarse facies - heart defects - obesity - pulmonary involvement - short stature - skeletal dysplasia syndrome. Last evaluated: 2023-09-01. Review status: criteria provided, single submitter. Criteria: Invitae Variant Classification Sherloc (09022015). Collection method: clinical testing. Allele origin: germline.
Comment: This sequence change falls in intron 12 of the AFF4 gene. It does not directly change the encoded amino acid sequence of the AFF4 protein. This variant is not present in population databases (gnomAD no frequency). This variant has not been reported in the literature in individuals affected with AFF4-related conditions. Algorithms developed to predict the effect of sequence changes on RNA splicing suggest that this variant may disrupt the consensus splice site. In summary, the available evidence is currently insufficient to determine the role of this variant in disease. Therefore, it has been classified as a Variant of Uncertain Significance.